The following is an entry in ClinVar:

ClinVar aggregate classification (germline): Likely benign. Review status: criteria provided, multiple submitters, no conflicts (2 of 4 stars). 3 submissions from 3 submitters: Likely benign (3). Last evaluated 2025-10-14.

Conditions:
MYH7B-related disorder. Also called: MYH7B-related condition.

Allele frequency attached by ClinVar (database versions not stated): gnomAD 0.00100 and 0.00101; ESP Exome Variant Server 0.00139; TOPMed 0.00140; 1000 Genomes Project 30x 0.00203; 1000 Genomes Project 0.00220.
gnomAD v4.1: 481 of 1,613,658 alleles (0.03%); highest among the groups gnomAD compares: East Asian, 0.42%; 2 homozygotes.

Submissions (3):

Labcorp Genetics (formerly Invitae), Labcorp
Classification: Likely benign. Last evaluated: 2025-10-14. Review status: criteria provided, single submitter. Criteria: Invitae Variant Classification Sherloc (09022015). Collection method: clinical testing. Allele origin: germline.

PreventionGenetics, part of Exact Sciences
Classification: Likely benign for MYH7B-related condition. Last evaluated: 2025-06-23. Review status: criteria provided, single submitter. Criteria: ACMG Guidelines, 2015. Collection method: clinical testing. Allele origin: germline.
Comment: This variant is classified as likely benign based on ACMG/AMP sequence variant interpretation guidelines (Richards et al. 2015 PMID: 25741868, with internal and published modifications).

Breakthrough Genomics
Classification: Likely benign. Review status: criteria provided, single submitter. Criteria: ACMG Guidelines, 2015. Collection method: not provided. Allele origin: germline. Inheritance: Unknown mechanism. Affected: yes.

NM_020884.7(MYH7B):c.5306C>T (p.Ala1769Val)

Gene: MYH7B (myosin heavy chain 7B; plus strand). Cytogenetic location: 20q11.22.
Variant type: single nucleotide variant.
Coding change: c.5306C>T on transcript NM_020884.7 (MANE Select); coding-DNA position 5306, C replaced by T.
Protein change: p.Ala1769Val; replaces alanine 1769 with valine.
Molecular consequence: missense variant.
Genome position (GRCh38, 1-based): chr20:35,000,989, C>T. VCF-style: chr20-35000989-C-T. GRCh37 (hg19) VCF-style: chr20-33588792-C-T.
Other names: short protein forms A1769V.
Identifiers: ClinVar variation 728692 (VCV000728692.11), dbSNP rs147239130, ClinGen allele CA9828510.
Genomic context (GRCh38, chr20:35,000,989, plus strand): 5'-AGAATTGCAGAGGGACTTCCCTGAGGCTGGGCACCTGACCAGCTCCTCCTCCCCAACAGG[C>T]GGCCATGATGGCCGAGGAGCTGAAGAAGGAGCAGGACACAAGTGCACACCTGGAACGGAT-3'
Protein context (NP_065935.4, residues 1759-1779): EEKAKKAITD[Ala1769Val]AMMAEELKKE